The following is an entry in ClinVar:

ClinVar aggregate classification (germline): Uncertain significance (1 of 4 stars; one submission).

Conditions:
Inborn genetic diseases. Identifiers: MedGen C0950123, MeSH D030342.

Submission:

Ambry Genetics
Classification: Uncertain significance for Inborn genetic diseases. Last evaluated: 2022-11-15. Review status: criteria provided, single submitter. Criteria: Ambry Variant Classification Scheme 2023. Collection method: clinical testing. Allele origin: germline.
Comment: The c.2266_2271+4dupATCCAGGTGC alteration is located in between Exon 22 and Intron 22 (E) of the DDX11 gene. This alteration consists of a duplication of 10 nucleotides between nucleotide positions c.2266 and c.22714 within between Exon 22 and Intron 22 (E). Based on insufficient or conflicting evidence, the clinical significance of this alteration remains unclear.

NM_030653.4(DDX11):c.2266_2271+4dup

Gene: DDX11 (DEAD/H-box helicase 11; plus strand). Cytogenetic location: 12p11.21.
Variant type: Duplication.
Coding change: c.2266_2271+4dup on transcript NM_030653.4 (MANE Select); coding-DNA position 2266 through 4 bases into the intron after coding-DNA position 2271, 10 bases duplicated (ATCCAGGTGC; older notation c.2266_2271+4dupATCCAGGTGC).
Molecular consequence: splice donor variant.
Genome position (GRCh38, 1-based): chr12:31,102,306-31,102,315, ATCCAGGTGC duplicated; duplicating any 10 consecutive bases within chr12:31,102,297-31,102,315 gives the same sequence; the c. name uses the placement nearest the transcript's 3' end. VCF-style (leftmost placement, unchanged base first): chr12-31102296-T-TTCCAGGTGCA. GRCh37 (hg19) VCF-style: chr12-31255230-T-TTCCAGGTGCA.
Other names: c.2266_2271+4dup (NM_152438.2, NM_001257144.2); c.2116_2121+4dup (NM_004399.3); c.2188_2193+4dup (NM_001257145.2).
Identifiers: ClinVar variation 2318992 (VCV002318992.2), dbSNP rs755355535, ClinGen allele CA234501086.